The following is an entry in ClinVar:

ClinVar aggregate classification (germline): Uncertain significance (0 of 4 stars; one submission).

Conditions:
Prostate cancer. Also called: Malignant tumor of prostate. Identifiers: Orphanet 1331, MedGen C0376358, MONDO:0008315, HP:0012125.

Allele frequency attached by ClinVar (database versions not stated): ExAC 0.00001; gnomAD 0.00001; gnomAD exomes 0.00002.
gnomAD v4.1: 12 of 1,613,828 alleles (0.00074%); highest among the groups gnomAD compares: South Asian, 0.0044%; no homozygotes.

Submission:

Science for Life laboratory,  Karolinska Institutet
Classification: Uncertain significance for Malignant tumor of prostate. Review status: no assertion criteria provided. Collection method: not provided. Allele origin: somatic.
Comment: TumorID:SWE-2
ClinVar note: Converted during submission from Unknown to Uncertain significance.

NM_001001966.2(OR14A16):c.341C>T (p.Thr114Met)

Gene: OR14A16 (olfactory receptor family 14 subfamily A member 16; minus strand). Cytogenetic location: 1q44.
Variant type: single nucleotide variant.
Coding change: c.341C>T on transcript NM_001001966.2 (MANE Select); coding-DNA position 341, C replaced by T.
Protein change: p.Thr114Met; replaces threonine 114 with methionine.
Molecular consequence: missense variant.
Genome position (GRCh38, 1-based): chr1:247,815,389, G>A on the plus strand (C>T on the coding strand, the complement: OR14A16 is on the minus strand). VCF-style: chr1-247815389-G-A. GRCh37 (hg19) VCF-style: chr1-247978691-G-A.
Other names: short protein forms T114M.
Identifiers: ClinVar variation 161477 (VCV000161477.2), dbSNP rs193920961, ClinGen allele CA174106.